The following is an entry in ClinVar:

ClinVar aggregate classification (germline): Benign. Review status: criteria provided, single submitter (1 of 4 stars). 3 submissions from 1 submitter: Benign (3). Last evaluated 2018-01-13.

Conditions:
Distal spinal muscular atrophy. Also called: Distal hereditary motor neuropathy; Distal hereditary motor neuronopathy. Identifiers: Orphanet 53739, MedGen C0393541, MONDO:0018894.
Neuronopathy, distal hereditary motor, type 5A (HMND5). Also called: Distal Spinal Muscular Atrophy V; Distal Spinal Muscular Atrophy V (dSMA-V); NEURONOPATHY, DISTAL HEREDITARY MOTOR, AUTOSOMAL DOMINANT 5; DHMN VA. Identifiers: Orphanet 139536, MedGen CN031873, MONDO:0015353, OMIM 600794.
Charcot-Marie-Tooth disease type 2D (CMT2D). Also called: Charcot-Marie-Tooth Neuropathy Type 2D; GARS1 Adolescent- or Early Adult-Onset Hereditary Motor/Sensory Neuropathy (GARS1-HMSN); CHARCOT-MARIE-TOOTH DISEASE, AXONAL, TYPE 2D; CHARCOT-MARIE-TOOTH DISEASE, NEURONAL, TYPE 2D. Identifiers: Orphanet 99938, MedGen C1832274, MONDO:0011091, OMIM 601472.

Allele frequency attached by ClinVar (database versions not stated): 1000 Genomes Project 0.00539; 1000 Genomes Project 30x 0.00578; gnomAD 0.00687 and 0.00701; TOPMed 0.00765; gnomAD exomes 0.00944.
gnomAD v4.1: 14,271 of 1,556,030 alleles (0.92%); highest among the groups gnomAD compares: Middle Eastern, 1.7%; 89 homozygotes.

Submissions (3):

Illumina Laboratory Services, Illumina
Classification: Benign for Distal hereditary motor neuronopathy type 5. Last evaluated: 2018-01-13. Review status: criteria provided, single submitter. Criteria: ICSL Variant Classification Criteria 13 December 2019. Collection method: clinical testing. Allele origin: germline.
Comment: This variant was observed in the ICSL laboratory as part of a predisposition screen in an ostensibly healthy population. It had not been previously curated by ICSL or reported in the Human Gene Mutation Database (HGMD: prior to June 1st, 2018), and was therefore a candidate for classification through an automated scoring system. Utilizing variant allele frequency, disease prevalence and penetrance estimates, and inheritance mode, an automated score was calculated to assess if this variant is too frequent to cause the disease. Based on the score and internal cut-off values, a variant classified as benign is not then subjected to further curation. The score for this variant resulted in a classification of benign for this disease.

Illumina Laboratory Services, Illumina
Classification: Benign for Charcot-Marie-Tooth disease type 2D. Last evaluated: 2018-01-13. Review status: criteria provided, single submitter. Criteria: ICSL Variant Classification Criteria 13 December 2019. Collection method: clinical testing. Allele origin: germline.
Comment: the same text as in the submission from Illumina Laboratory Services, Illumina above.

Illumina Laboratory Services, Illumina
Classification: Benign for Distal Spinal Muscular Atrophy. Last evaluated: 2018-01-13. Review status: criteria provided, single submitter. Criteria: ICSL Variant Classification Criteria 13 December 2019. Collection method: clinical testing. Allele origin: germline.
Comment: the same text as in the submission from Illumina Laboratory Services, Illumina above.

NM_002047.4(GARS1):c.*73A>G

Gene: GARS1 (glycyl-tRNA synthetase 1; plus strand). Cytogenetic location: 7p14.3.
Variant type: single nucleotide variant.
Coding change: c.*73A>G on transcript NM_002047.4 (MANE Select); 73 bases downstream of the stop codon, A replaced by G.
Molecular consequence: 3 prime UTR variant.
Genome position (GRCh38, 1-based): chr7:30,633,933, A>G. VCF-style: chr7-30633933-A-G. GRCh37 (hg19) VCF-style: chr7-30673549-A-G.
Other names: c.*73A>G (LRG_243t1, NM_001316772.1).
Identifiers: ClinVar variation 360024 (VCV000360024.5), dbSNP rs113598818, ClinGen allele CA10623837.